The following is an entry in ClinVar:

ClinVar aggregate classification (germline): Conflicting classifications of pathogenicity. Review status: criteria provided, conflicting classifications (1 of 4 stars). 2 submissions from 2 submitters: Likely pathogenic (1); Uncertain significance (1). Last evaluated 2025-08-29.

Conditions:
Hypophosphatasia. Also called: Phosphoethanol-aminuria. Identifiers: Orphanet 436, MedGen C0020630, MeSH D007014, MONDO:0018570.

Submissions (2):

Genomenon, Inc
Classification: Uncertain significance for Hypophosphatasia. Last evaluated: 2025-08-29. Review status: criteria provided, single submitter. Criteria: Genomenon Sequence Variant Interpretation Standards. Collection method: curation. Allele origin: germline. Affected: yes.
Comment: ALPL c.1243T>G is a missense variant that changes the amino acid at residue 415 from Tyrosine to Aspartic acid. This variant has been observed in at least one proband affected with hypophosphatasia (PMID:28663156). It is absent or not present at a significant frequency in gnomAD. In silico models agree that this variant is possibly or probably damaging. In conclusion, we classify ALPL p.Tyr415Asp (c.1243T>G) as a variant of unknown significance.

JKU Lab, Dept of Paediatrics, Johannes Kepler University
Classification: Likely pathogenic for Hypophosphatasia. Last evaluated: 2022-03-04. Review status: criteria provided, single submitter. Criteria: ACMG Guidelines, 2015. Collection method: clinical testing. Allele origin: germline. Affected: yes. Observed: 1 homozygote.
Comment: This variant is absent from large population studies. The REVEL score is 0.9769. ACMG Criteria used for classification: PM2_sup, PP2_sup, PP3_sup, PM3_sup, PP4_mod.

Literature cited by the submitters: PubMed 28663156 (cited by Genomenon, Inc and JKU Lab, Dept of Paediatrics, Johannes Kepler University).

NM_000478.6(ALPL):c.1243T>G (p.Tyr415Asp)

Gene: ALPL (alkaline phosphatase, biomineralization associated; plus strand). Cytogenetic location: 1p36.12.
Variant type: single nucleotide variant.
Coding change: c.1243T>G on transcript NM_000478.6 (MANE Select); coding-DNA position 1243, T replaced by G.
Protein change: p.Tyr415Asp; replaces tyrosine 415 with aspartic acid.
Molecular consequence: missense variant.
Genome position (GRCh38, 1-based): chr1:21,576,575, T>G. VCF-style: chr1-21576575-T-G. GRCh37 (hg19) VCF-style: chr1-21903068-T-G.
Other names: c.1078T>G, p.Tyr360Asp (NM_001127501.4); c.1012T>G, p.Tyr338Asp (NM_001177520.3); c.1243T>G, p.Tyr415Asp (NM_001369803.2, NM_001369804.2, NM_001369805.2); short protein forms Y338D, Y360D, Y415D.
Identifiers: ClinVar variation 1344541 (VCV001344541.3), dbSNP rs2148192455, ClinGen allele CA338881767.
Genomic context (GRCh38, chr1:21,576,575, plus strand): 5'-TGTGCAGGTCTGGCCCCCATGCTGAGTGACACAGACAAGAAGCCCTTCACTGCCATCCTG[T>G]ATGGCAATGGGCCTGGCTACAAGGTGGTGGGCGGTGAACGAGAGAATGTCTCCATGGTGG-3'
Protein context (NP_000469.3, residues 405-425): TDKKPFTAIL[Tyr415Asp]GNGPGYKVVG